The following is an entry in ClinVar:

NM_005732.4(RAD50):c.3380C>T (p.Thr1127Ile)

Gene: RAD50 (RAD50 double strand break repair protein; plus strand). Cytogenetic location: 5q31.1.
Variant type: single nucleotide variant.
Coding change: c.3380C>T on transcript NM_005732.4 (MANE Select); coding-DNA position 3380, C replaced by T.
Protein change: p.Thr1127Ile; replaces threonine 1127 with isoleucine.
Molecular consequence: missense variant.
Genome position (GRCh38, 1-based): chr5:132,618,285, C>T. VCF-style: chr5-132618285-C-T. GRCh37 (hg19) VCF-style: chr5-131953977-C-T.
Other names: short protein forms T1127I.
Identifiers: ClinVar variation 527377 (VCV000527377.14), dbSNP rs1395170959, ClinGen allele CA360965051.

ClinVar aggregate classification (germline): Uncertain significance. Review status: criteria provided, multiple submitters, no conflicts (2 of 4 stars). 3 submissions from 3 submitters: Uncertain significance (3). Last evaluated 2025-12-29.

Conditions:
Hereditary breast ovarian cancer syndrome. Also called: Hereditary breast and/or ovarian cancer syndrome; Breast and ovarian cancer; Hereditary breast and ovarian cancer; BRCA1- and BRCA2-Associated Hereditary Breast and Ovarian Cancer; Hereditary breast and ovarian cancer syndrome (HBOC); Hereditary breast and ovarian cancer syndrome. Identifiers: Orphanet 145, MedGen C0677776, MeSH D061325, MONDO:0003582. Disease mechanism: loss of function.
Hereditary cancer-predisposing syndrome. Also called: Neoplastic Syndromes, Hereditary; Tumor predisposition; Hereditary Cancer Syndrome; Hereditary neoplastic syndrome. Identifiers: Orphanet 140162, MedGen C0027672, MeSH D009386, MONDO:0015356.

Allele frequency attached by ClinVar (database versions not stated): TOPMed below 0.00001; gnomAD 0.00001; gnomAD exomes 0.00001.
gnomAD v4.1: 22 of 1,613,870 alleles (0.0014%); highest among the groups gnomAD compares: East Asian, 0.049%; no homozygotes.

Submissions (3):

Labcorp Genetics (formerly Invitae), Labcorp
Classification: Uncertain significance for Hereditary cancer-predisposing syndrome. Last evaluated: 2025-12-29. Review status: criteria provided, single submitter. Criteria: Invitae Variant Classification Sherloc (09022015). Collection method: clinical testing. Allele origin: germline.
Comment: This sequence change replaces threonine, which is neutral and polar, with isoleucine, which is neutral and non-polar, at codon 1127 of the RAD50 protein (p.Thr1127Ile). This variant is not present in population databases (gnomAD no frequency). This variant has not been reported in the literature in individuals affected with RAD50-related conditions. ClinVar contains an entry for this variant (Variation ID: 527377). Invitae Evidence Modeling of protein sequence and biophysical properties (such as structural, functional, and spatial information, amino acid conservation, physicochemical variation, residue mobility, and thermodynamic stability) indicates that this missense variant is not expected to disrupt RAD50 protein function with a negative predictive value of 80%. In summary, the available evidence is currently insufficient to determine the role of this variant in disease. Therefore, it has been classified as a Variant of Uncertain Significance.

Ambry Genetics
Classification: Uncertain significance for Hereditary cancer-predisposing syndrome. Last evaluated: 2023-12-05. Review status: criteria provided, single submitter. Criteria: Ambry Variant Classification Scheme 2023. Collection method: clinical testing. Allele origin: germline.
Comment: The p.T1127I variant (also known as c.3380C>T), located in coding exon 21 of the RAD50 gene, results from a C to T substitution at nucleotide position 3380. The threonine at codon 1127 is replaced by isoleucine, an amino acid with similar properties. This amino acid position is not well conserved in available vertebrate species. In addition, this alteration is predicted to be tolerated by in silico analysis. This alteration was identified in a cohort of patients diagnosed with biliary tract carcinoma undergoing multigene panel testing for hereditary cancer risk (Terashima T et al. Oncotarget, 2019 Oct;10:5949-5957). Since supporting evidence is limited at this time, the clinical significance of this alteration remains unclear.

Cancer Genomics Group, Japanese Foundation For Cancer Research
Classification: Uncertain significance for Hereditary breast and ovarian cancer syndrome. Last evaluated: 2019-05-01. Review status: criteria provided, single submitter. Criteria: ACMG Guidelines, 2015. Collection method: research. Allele origin: germline. Affected: yes.

Literature cited by the submitters: PubMed 31666926 (cited by Ambry Genetics).